The following is an entry in ClinVar:

NM_004370.6(COL12A1):c.3332C>A (p.Pro1111His)

Gene: COL12A1 (collagen type XII alpha 1 chain; minus strand). Cytogenetic location: 6q13.
Variant type: single nucleotide variant.
Coding change: c.3332C>A on transcript NM_004370.6 (MANE Select); coding-DNA position 3332, C replaced by A.
Protein change: p.Pro1111His; replaces proline 1111 with histidine.
Molecular consequence: missense variant. On other transcripts: intron variant (1).
Genome position (GRCh38, 1-based): chr6:75,155,773, G>T on the plus strand (C>A on the coding strand, the complement: COL12A1 is on the minus strand). VCF-style: chr6-75155773-G-T. GRCh37 (hg19) VCF-style: chr6-75865489-G-T.
Other names: c.74-3291C>A (NM_080645.3); short protein forms P1111H.
Identifiers: ClinVar variation 1510677 (VCV001510677.6), dbSNP rs2149423214, ClinGen allele CA364752670.

ClinVar aggregate classification (germline): Uncertain significance (1 of 4 stars; one submission).

Conditions:
Ullrich congenital muscular dystrophy 2 (UCMD2). Identifiers: Orphanet 75840, MedGen C4225314, MONDO:0014654, OMIM 616470.
Bethlem myopathy 2 (BTHLM2). Identifiers: Orphanet 536516, Orphanet 610, MedGen C4225313, MONDO:0034022, OMIM 616471.

Submission:

Labcorp Genetics (formerly Invitae), Labcorp
Classification: Uncertain significance for Bethlem myopathy 2; Ullrich congenital muscular dystrophy 2. Last evaluated: 2021-08-06. Review status: criteria provided, single submitter. Criteria: Invitae Variant Classification Sherloc (09022015). Collection method: clinical testing. Allele origin: germline.
Comment: This sequence change replaces proline with histidine at codon 1111 of the COL12A1 protein (p.Pro1111His). The proline residue is highly conserved and there is a moderate physicochemical difference between proline and histidine. This variant is not present in population databases (ExAC no frequency). This variant has not been reported in the literature in individuals affected with COL12A1-related conditions. Algorithms developed to predict the effect of missense changes on protein structure and function are either unavailable or do not agree on the potential impact of this missense change (SIFT: "Deleterious"; PolyPhen-2: "Probably Damaging"; Align-GVGD: "Class C0"). In summary, the available evidence is currently insufficient to determine the role of this variant in disease. Therefore, it has been classified as a Variant of Uncertain Significance.